The following is an entry in ClinVar:

ClinVar aggregate classification (germline): Uncertain significance. Review status: criteria provided, multiple submitters, no conflicts (2 of 4 stars). 4 submissions from 4 submitters: Uncertain significance (3). 1 of the submissions does not count toward it. Last evaluated 2025-08-15.

Conditions:
Inborn genetic diseases. Identifiers: MedGen C0950123, MeSH D030342.
Ehlers-Danlos syndrome, periodontal type 2. Identifiers: MedGen C4310681, MONDO:0014954, OMIM 617174.

Allele frequency attached by ClinVar (database versions not stated): ExAC 0.00001; gnomAD exomes 0.00002; gnomAD 0.00003; TOPMed 0.00006.
gnomAD v4.1: 50 of 1,613,982 alleles (0.0031%); highest among the groups gnomAD compares: East Asian, 0.013%; no homozygotes.

Submissions (4):

Labcorp Genetics (formerly Invitae), Labcorp
Classification: Uncertain significance. Last evaluated: 2025-08-15. Review status: criteria provided, single submitter. Criteria: Invitae Variant Classification Sherloc (09022015). Collection method: clinical testing. Allele origin: germline.
Comment: This sequence change replaces asparagine, which is neutral and polar, with serine, which is neutral and polar, at codon 116 of the C1S protein (p.Asn116Ser). This variant is present in population databases (rs782390414, gnomAD 0.006%). This variant has not been reported in the literature in individuals affected with C1S-related conditions. ClinVar contains an entry for this variant (Variation ID: 1499802). Invitae Evidence Modeling of protein sequence and biophysical properties (such as structural, functional, and spatial information, amino acid conservation, physicochemical variation, residue mobility, and thermodynamic stability) indicates that this missense variant is expected to disrupt C1S protein function with a positive predictive value of 80%. In summary, the available evidence is currently insufficient to determine the role of this variant in disease. Therefore, it has been classified as a Variant of Uncertain Significance.

Women's Health and Genetics/Laboratory Corporation of America, LabCorp
Classification: Uncertain significance. Last evaluated: 2025-05-28. Review status: criteria provided, single submitter. Criteria: LabCorp Variant Classification Summary - May 2015. Collection method: clinical testing. Allele origin: germline.
Comment: Variant summary: C1S c.347A>G (p.Asn116Ser) results in a conservative amino acid change in the encoded protein sequence. Algorithms developed to predict the effect of missense changes on protein structure and function are either unavailable or do not agree on the potential impact of this missense change. The variant allele was found at a frequency of 2e-05 in 251396 control chromosomes. The available data on variant occurrences in the general population are insufficient to allow any conclusion about variant significance. To our knowledge, no occurrence of c.347A>G in individuals affected with Complement component C1s deficiency and no experimental evidence demonstrating its impact on protein function have been reported. ClinVar contains an entry for this variant (Variation ID: 1499802). Based on the evidence outlined above, the variant was classified as uncertain significance.

Ambry Genetics
Classification: Uncertain significance for Inborn genetic diseases. Last evaluated: 2024-12-09. Review status: criteria provided, single submitter. Criteria: Ambry Variant Classification Scheme 2023. Collection method: clinical testing. Allele origin: germline.

Zotz-Klimas Genetics Lab, MVZ Zotz Klimas
Classification: Uncertain significance for Ehlers-Danlos syndrome, periodontal type 2. Last evaluated: 2023-10-30. Review status: no assertion criteria provided. Collection method: clinical testing. Allele origin: germline. Affected: yes. Not counted in ClinVar's aggregate classification.

NM_001734.5(C1S):c.347A>G (p.Asn116Ser)

Gene: C1S (complement C1s; plus strand). Cytogenetic location: 12p13.31.
Variant type: single nucleotide variant.
Coding change: c.347A>G on transcript NM_001734.5 (MANE Select); coding-DNA position 347, A replaced by G.
Protein change: p.Asn116Ser; replaces asparagine 116 with serine.
Molecular consequence: missense variant. On other transcripts: 5 prime UTR variant (1).
Genome position (GRCh38, 1-based): chr12:7,063,023, A>G. VCF-style: chr12-7063023-A-G. GRCh37 (hg19) VCF-style: chr12-7170327-A-G.
Other names: c.-155A>G (NM_001346850.2); c.347A>G, p.Asn116Ser (NM_201442.4); c.347A>G (NM_201442.2); short protein forms N116S.
Identifiers: ClinVar variation 1499802 (VCV001499802.9), dbSNP rs782390414, ClinGen allele CA6423376.